The following is an entry in ClinVar:

ClinVar aggregate classification (germline): Likely benign (1 of 4 stars; one submission).

Submission:

CeGaT Center for Human Genetics Tuebingen
Classification: Likely benign. Last evaluated: 2026-02-01. Review status: criteria provided, single submitter. Criteria: CeGaT Center For Human Genetics Tuebingen Variant Classification Criteria Version 2. Collection method: clinical testing. Allele origin: germline. Affected: yes. Observed: 1 variant allele.
Comment: KRTAP4-2: BP4, BP7

NM_033062.4(KRTAP4-2):c.144G>C (p.Pro48=)

Gene: KRTAP4-2 (keratin associated protein 4-2; minus strand). Cytogenetic location: 17q21.2.
Variant type: single nucleotide variant.
Coding change: c.144G>C on transcript NM_033062.4 (MANE Select); coding-DNA position 144, G replaced by C.
Protein change: p.Pro48=; no amino-acid change (proline 48 retained).
Molecular consequence: synonymous variant.
Genome position (GRCh38, 1-based): chr17:41,178,021, C>G on the plus strand (G>C on the coding strand, the complement: KRTAP4-2 is on the minus strand). VCF-style: chr17-41178021-C-G. GRCh37 (hg19) VCF-style: chr17-39334273-C-G.
Identifiers: ClinVar variation 4820891 (VCV004820891.4).